The following is an entry in ClinVar:

ClinVar aggregate classification (germline): Uncertain significance. Review status: criteria provided, multiple submitters, no conflicts (2 of 4 stars). 2 submissions from 2 submitters: Uncertain significance (2). Last evaluated 2025-11-25.

Conditions:
Pulmonary fibrosis and/or bone marrow failure, Telomere-related, 3. Also called: PULMONARY FIBROSIS AND/OR BONE MARROW FAILURE SYNDROME, TELOMERE-RELATED, 3. Identifiers: Orphanet 2032, MedGen C4225346, MONDO:0014613, OMIM 616373.
Dyskeratosis congenita, autosomal recessive 5 (DKCB5). Identifiers: MedGen C3554656, MONDO:0014076, OMIM 615190.
Inborn genetic diseases. Identifiers: MedGen C0950123, MeSH D030342.

gnomAD v4.1: 18 of 1,611,832 alleles (0.0011%); highest among the groups gnomAD compares: South Asian, 0.016%; no homozygotes.

Submissions (2):

Ambry Genetics
Classification: Uncertain significance for Inborn genetic diseases. Last evaluated: 2025-11-25. Review status: criteria provided, single submitter. Criteria: Ambry Variant Classification Scheme 2023. Collection method: clinical testing. Allele origin: germline.
Comment: The p.Q1228R variant (also known as c.3683A>G), located in coding exon 33 of the RTEL1 gene, results from an A to G substitution at nucleotide position 3683. The glutamine at codon 1228 is replaced by arginine, an amino acid with highly similar properties. This amino acid position is conserved. In addition, this alteration is predicted to be tolerated by in silico analysis. Based on the available evidence, the clinical significance of this variant remains unclear.

Labcorp Genetics (formerly Invitae), Labcorp
Classification: Uncertain significance for Dyskeratosis congenita, autosomal recessive 5; Pulmonary fibrosis and/or bone marrow failure, Telomere-related, 3. Last evaluated: 2024-08-15. Review status: criteria provided, single submitter. Criteria: Invitae Variant Classification Sherloc (09022015). Collection method: clinical testing. Allele origin: germline.
Comment: This sequence change replaces glutamine, which is neutral and polar, with arginine, which is basic and polar, at codon 1228 of the RTEL1 protein (p.Gln1228Arg). This variant is present in population databases (rs746469298, gnomAD 0.03%). This variant has not been reported in the literature in individuals affected with RTEL1-related conditions. An algorithm developed to predict the effect of missense changes on protein structure and function (PolyPhen-2) suggests that this variant is likely to be tolerated. In summary, the available evidence is currently insufficient to determine the role of this variant in disease. Therefore, it has been classified as a Variant of Uncertain Significance.

NM_001283009.2(RTEL1):c.3683A>G (p.Gln1228Arg)

Genes: RTEL1 (regulator of telomere elongation helicase 1; plus strand), RTEL1-TNFRSF6B (RTEL1-TNFRSF6B readthrough (NMD candidate); plus strand). Cytogenetic location: 20q13.33.
Variant type: single nucleotide variant.
Coding change: c.3683A>G on transcript NM_001283009.2 (MANE Select); coding-DNA position 3683, A replaced by G.
Protein change: p.Gln1228Arg; replaces glutamine 1228 with arginine.
Molecular consequence: missense variant. On other transcripts: intron variant (3), non-coding transcript variant (1).
Genome position (GRCh38, 1-based): chr20:63,695,511, A>G. VCF-style: chr20-63695511-A-G. GRCh37 (hg19) VCF-style: chr20-62326864-A-G.
Other names: c.2983+31A>G (NM_001283010.1); c.3724+31A>G (NM_032957.5); c.3652+31A>G (NM_016434.4); short protein forms Q1228R.
Identifiers: ClinVar variation 3747899 (VCV003747899.3).